The following is an entry in ClinVar:

NM_005529.7(HSPG2):c.6928G>A (p.Val2310Ile)

Gene: HSPG2 (heparan sulfate proteoglycan 2; minus strand). Cytogenetic location: 1p36.12.
Variant type: single nucleotide variant.
Coding change: c.6928G>A on transcript NM_005529.7 (MANE Select); coding-DNA position 6928, G replaced by A.
Protein change: p.Val2310Ile; replaces valine 2310 with isoleucine.
Molecular consequence: missense variant.
Genome position (GRCh38, 1-based): chr1:21,851,869, C>T on the plus strand (G>A on the coding strand, the complement: HSPG2 is on the minus strand). VCF-style: chr1-21851869-C-T. GRCh37 (hg19) VCF-style: chr1-22178362-C-T.
Other names: c.6931G>A, p.Val2311Ile (NM_001291860.2); short protein forms V2310I, V2311I.
Identifiers: ClinVar variation 1428165 (VCV001428165.11), dbSNP rs374301325, ClinGen allele CA671372.

ClinVar aggregate classification (germline): Uncertain significance. Review status: criteria provided, multiple submitters, no conflicts (2 of 4 stars). 3 submissions from 3 submitters: Uncertain significance (3). Last evaluated 2025-10-27.

Conditions:
Inborn genetic diseases. Identifiers: MedGen C0950123, MeSH D030342.

Allele frequency attached by ClinVar (database versions not stated): TOPMed 0.00002; gnomAD 0.00003 and 0.00004; gnomAD exomes 0.00003; ExAC 0.00004; ESP Exome Variant Server 0.00008; 1000 Genomes Project 30x 0.00016; 1000 Genomes Project 0.00020.
gnomAD v4.1: 55 of 1,613,002 alleles (0.0034%); highest among the groups gnomAD compares: Non-Finnish European, 0.0041%; no homozygotes.

Submissions (3):

GeneDx
Classification: Uncertain significance. Last evaluated: 2025-10-27. Review status: criteria provided, single submitter. Criteria: GeneDx Variant Classification Process June 2021. Collection method: clinical testing. Allele origin: germline. Affected: yes.
Comment: In silico analysis suggests that this missense variant does not alter protein structure/function; Has not been previously published as pathogenic or benign to our knowledge

Ambry Genetics
Classification: Uncertain significance for Inborn genetic diseases. Last evaluated: 2022-09-14. Review status: criteria provided, single submitter. Criteria: Ambry Variant Classification Scheme 2023. Collection method: clinical testing. Allele origin: germline.

Labcorp Genetics (formerly Invitae), Labcorp
Classification: Uncertain significance. Last evaluated: 2021-02-05. Review status: criteria provided, single submitter. Criteria: Invitae Variant Classification Sherloc (09022015). Collection method: clinical testing. Allele origin: germline.
Comment: In summary, the available evidence is currently insufficient to determine the role of this variant in disease. Therefore, it has been classified as a Variant of Uncertain Significance. Algorithms developed to predict the effect of missense changes on protein structure and function are either unavailable or do not agree on the potential impact of this missense change (SIFT: "Deleterious"; PolyPhen-2: "Possibly Damaging"; Align-GVGD: "Class C0"). This variant has not been reported in the literature in individuals with HSPG2-related conditions. This variant is present in population databases (rs374301325, ExAC 0.006%). This sequence change replaces valine with isoleucine at codon 2310 of the HSPG2 protein (p.Val2310Ile). The valine residue is weakly conserved and there is a small physicochemical difference between valine and isoleucine.